The following is an entry in ClinVar:

ClinVar aggregate classification (germline): Likely benign (0 of 4 stars; one submission).

Conditions:
PLXNA1-related disorder. Also called: PLXNA1-related condition.

Allele frequency attached by ClinVar (database versions not stated): ExAC 0.00003; gnomAD 0.00011; TOPMed 0.00014.

Submission:

PreventionGenetics, part of Exact Sciences
Classification: Likely benign for PLXNA1-related condition. Last evaluated: 2021-06-28. Review status: no assertion criteria provided. Collection method: clinical testing. Allele origin: germline.
Comment: This variant is classified as likely benign based on ACMG/AMP sequence variant interpretation guidelines (Richards et al. 2015 PMID: 25741868, with internal and published modifications).

NM_032242.4(PLXNA1):c.4224C>T (p.Leu1408=)

Gene: PLXNA1 (plexin A1; plus strand). Cytogenetic location: 3q21.3.
Variant type: single nucleotide variant.
Coding change: c.4224C>T on transcript NM_032242.4 (MANE Select); coding-DNA position 4224, C replaced by T.
Protein change: p.Leu1408=; no amino-acid change (leucine 1408 retained).
Molecular consequence: synonymous variant.
Genome position (GRCh38, 1-based): chr3:127,022,270, C>T. VCF-style: chr3-127022270-C-T. GRCh37 (hg19) VCF-style: chr3-126741113-C-T.
Identifiers: ClinVar variation 3029447 (VCV003029447.2), dbSNP rs779534849, ClinGen allele CA2594265.